The following is an entry in ClinVar:

NM_020911.2(PLXNA4):c.1569C>T (p.Gly523=)

Gene: PLXNA4 (plexin A4; minus strand). Cytogenetic location: 7q32.3.
Variant type: single nucleotide variant.
Coding change: c.1569C>T on transcript NM_020911.2 (MANE Select); coding-DNA position 1569, C replaced by T.
Protein change: p.Gly523=; no amino-acid change (glycine 523 retained).
Molecular consequence: synonymous variant.
Genome position (GRCh38, 1-based): chr7:132,241,101, G>A on the plus strand (C>T on the coding strand, the complement: PLXNA4 is on the minus strand). VCF-style: chr7-132241101-G-A. GRCh37 (hg19) VCF-style: chr7-131925860-G-A.
Other names: c.1569C>T, p.Gly523= (NM_001393897.1).
Identifiers: ClinVar variation 3356935 (VCV003356935.1).

ClinVar aggregate classification (germline): Likely benign (0 of 4 stars; one submission).

Conditions:
PLXNA4-related disorder. Also called: PLXNA4-related condition.

gnomAD v4.1: 31 of 1,612,792 alleles (0.0019%); highest among the groups gnomAD compares: Non-Finnish European, 0.0025%; no homozygotes.

Submission:

PreventionGenetics, part of Exact Sciences
Classification: Likely benign for PLXNA4-related condition. Last evaluated: 2024-05-28. Review status: no assertion criteria provided. Collection method: clinical testing. Allele origin: germline.
Comment: This variant is classified as likely benign based on ACMG/AMP sequence variant interpretation guidelines (Richards et al. 2015 PMID: 25741868, with internal and published modifications).